The following is an entry in ClinVar:

ClinVar aggregate classification (germline): Uncertain significance (1 of 4 stars; one submission).

Conditions:
Multiple endocrine neoplasia, type 2 (MEN2). Identifiers: Orphanet 653, MedGen C4048306, MONDO:0019003. Disease mechanism: gain of function.

Submission:

Labcorp Genetics (formerly Invitae), Labcorp
Classification: Uncertain significance for Multiple endocrine neoplasia, type 2. Last evaluated: 2019-01-29. Review status: criteria provided, single submitter. Criteria: Invitae Variant Classification Sherloc (09022015). Collection method: clinical testing. Allele origin: germline.
Comment: In summary, the available evidence is currently insufficient to determine the role of this variant in disease. Therefore, it has been classified as a Variant of Uncertain Significance. This sequence change replaces aspartic acid with valine at codon 469 of the RET protein (p.Asp469Val). The aspartic acid residue is highly conserved and there is a large physicochemical difference between aspartic acid and valine. This variant is not present in population databases (ExAC no frequency). This variant has not been reported in the literature in individuals with RET-related conditions. Algorithms developed to predict the effect of missense changes on protein structure and function are either unavailable or do not agree on the potential impact of this missense change (SIFT: "Deleterious"; PolyPhen-2: "Benign"; Align-GVGD: "Class C45").

NM_020975.6(RET):c.1406A>T (p.Asp469Val)

Gene: RET (ret proto-oncogene; plus strand). Cytogenetic location: 10q11.21.
Variant type: single nucleotide variant.
Coding change: c.1406A>T on transcript NM_020975.6 (MANE Select); coding-DNA position 1406, A replaced by T.
Protein change: p.Asp469Val; replaces aspartic acid 469 with valine.
Molecular consequence: missense variant.
Genome position (GRCh38, 1-based): chr10:43,111,349, A>T. VCF-style: chr10-43111349-A-T. GRCh37 (hg19) VCF-style: chr10-43606797-A-T.
Other names: c.1406A>T, p.Asp469Val (NM_000323.2, NM_001406743.1, NM_001406744.1 and 6 more transcripts); c.644A>T, p.Asp215Val (NM_001355216.2); c.1277A>T, p.Asp426Val (NM_001406761.1, NM_001406762.1, NM_001406764.1 and 1 more transcripts); c.1118A>T, p.Asp373Val (NM_001406766.1, NM_001406767.1, NM_001406770.1); c.1010A>T, p.Asp337Val (NM_001406769.1, NM_001406772.1); c.968A>T, p.Asp323Val (NM_001406771.1, NM_001406773.1); c.881A>T, p.Asp294Val (NM_001406774.1); c.680A>T, p.Asp227Val (NM_001406775.1, NM_001406776.1, NM_001406777.1 and 1 more transcripts); and 1 more; short protein forms D469V, D215V, D337V, D139V, D323V, D373V, D426V, D227V.
Identifiers: ClinVar variation 844795 (VCV000844795.10), dbSNP rs1588871253, ClinGen allele CA376549446.